The following is an entry in ClinVar:

NM_206933.4(USH2A):c.2301del (p.Glu767fs)

Gene: USH2A (usherin; minus strand). Cytogenetic location: 1q41.
Variant type: Deletion.
Coding change: c.2301del on transcript NM_206933.4 (MANE Select); coding-DNA position 2301, one base deleted (G; older notation c.2301delG).
Protein change: p.Glu767fs; shifts the reading frame from glutamic acid 767.
Molecular consequence: frameshift variant.
Genome position (GRCh38, 1-based): chr1:216,247,093, C deleted on the plus strand (G on the coding strand, the reverse complement: USH2A is on the minus strand). VCF-style (leftmost placement, unchanged base first): chr1-216247092-AC-A. GRCh37 (hg19) VCF-style: chr1-216420434-AC-A.
Other names: c.2301del, p.Glu767fs (NM_007123.6); short protein forms E767fs.
Identifiers: ClinVar variation 2111055 (VCV002111055.4), dbSNP rs2528163453, ClinGen allele CA2580062144.
Genomic context (GRCh38, chr1:216,247,092, plus strand): 5'-CTAACCCATAAAAGTTTTCTCTGCAGGTGTCACACTGAAGTCCTTTGGCTTCTTTTTTGC[AC>A]TCACACTGCCCAGAGTGAGGATTGCAGAATTTGTTCACTGAGCCATGGAGGTTACACTGG-3'

ClinVar aggregate classification (germline): Pathogenic (1 of 4 stars; one submission).

Submission:

Labcorp Genetics (formerly Invitae), Labcorp
Classification: Pathogenic. Last evaluated: 2022-09-01. Review status: criteria provided, single submitter. Criteria: Invitae Variant Classification Sherloc (09022015). Collection method: clinical testing. Allele origin: germline.
Comment: For these reasons, this variant has been classified as Pathogenic. This variant has not been reported in the literature in individuals affected with USH2A-related conditions. This variant is not present in population databases (gnomAD no frequency). This sequence change creates a premature translational stop signal (p.Glu767Aspfs*21) in the USH2A gene. It is expected to result in an absent or disrupted protein product. Loss-of-function variants in USH2A are known to be pathogenic (PMID: 10729113, 10909849, 20507924, 25649381).

Literature cited by the submitters: PubMed 10729113; PubMed 10909849; PubMed 20507924; PubMed 25649381.